The following is an entry in ClinVar:

ClinVar aggregate classification (germline): Likely pathogenic. Review status: reviewed by expert panel (3 of 4 stars). 2 submissions from 2 submitters: Likely pathogenic (1). 1 of the submissions does not count toward it. Last evaluated 2022-07-11.

Conditions:
Mitochondrial disease. Also called: Mitochondrial disorder; Mitochondrial disorders. Identifiers: Orphanet 68380, MedGen C0751651, MeSH D028361, MONDO:0044970.
Leber optic atrophy (LHON). Also called: Leber's disease; Leber's optic atrophy; Leber hereditary optic neuropathy; Optic Atrophy, Hereditary, Leber. Identifiers: Orphanet 104, MedGen C0917796, MONDO:0010788, OMIM 535000, HP:0001112.

Submissions (2):

ClinGen Mitochondrial Disease Nuclear and Mitochondrial  Variant Curation Expert Panel, ClinGen
Classification: Likely pathogenic for Mitochondrial disease. Last evaluated: 2022-07-11. Review status: reviewed by expert panel. Criteria: McCormick et al. (Hum Mutat. 2020). Collection method: curation. Allele origin: germline. Inheritance: Mitochondrial inheritance.
Comment: The predominant feature in this family was bilateral optic atrophy consistent with Leber Hereditary Optic Neuropathy (LHON). The variant was present at homoplasmy in affected and unaffected individuals from this family and, when affected, the age of onset was early adulthood (PMID: 9443868). It appears some individuals from this family were reported multiple times (PMIDs: 21887510, 8742999). There are no reported de novo occurrences of this variant to our knowledge. The variant was homoplasmic in family members of the only reported proband, precluding consideration for segregation evidence. This variant is absent in the GenBank dataset, Helix dataset, and gnomAD v3.1.2 (PM2_supporting). Another variant at this nucleotide position leading to the same amino acid change was classified as likely pathogenic by this expert panel, m.14482C>A (p.M64I, PS1). Furthermore, a different variant at this amino acid position leading to a different amino acid change is one of the most common causes of LHON and is a known pathogenic variant, m.14484T>C (p.M64V, PM5). The computational predictor APOGEE gives a consensus rating of pathogenic with a score of 0.96 (Min=0, Max=1), which predicts a damaging effect on gene function (PP3). There are no cybrid studies, single fiber studies, or other functional assays reported for this variant. In summary, this variant meets criteria to be classified as likely pathogenic for primary mitochondrial disease inherited in a mitochondrial manner. We note that one expert on this panel felt uncertain significance was a more appropriate classification given the only reported family was consanguineous and nuclear genetic etiologies were not assessed. This classification was approved by the NICHD/NINDS U24 ClinGen Mitochondrial Disease Variant Curation Expert Panel on July 11, 2022. Mitochondrial DNA-specific ACMG/AMP criteria applied (PMID: 32906214): PM2_supporting, PS1, PM5, PP3.

GeneReviews
No classification provided. Condition: Leber optic atrophy. Review status: no classification provided. Collection method: literature only. Allele origin: maternal. Not counted in ClinVar's aggregate classification.
Comment: This mitochondrial DNA variant affects function. It hase been identified in at least two independent LHON pedigrees and segregates with affected disease status.

Literature cited by the submitters: PubMed 30143805 (cited by GeneReviews); PubMed 20301353 (cited by GeneReviews).

NC_012920.1(MT-ND6):m.14482C>G

Gene: MT-ND6 (mitochondrially encoded NADH dehydrogenase 6; minus strand).
Variant type: single nucleotide variant.
Genome position: chrM-14482-C-G.
Identifiers: ClinVar variation 65513 (VCV000065513.4), dbSNP rs199476108, ClinGen allele CA344824.
Genomic context (GRCh38, chrMT:14,482, plus strand): 5'-TGACCCCCATGCCTCAGGATACTCCTCAATAGCCATCGCTGTAGTATATCCAAAGACAAC[C>G]ATCATTCCCCCTAAATAAATTAAAAAAACTATTAAACCCATATAACCTCCCCCAAAATTC-3'